The following is an entry in ClinVar:

NM_006904.7(PRKDC):c.851C>T (p.Thr284Ile)

Gene: PRKDC (protein kinase, DNA-activated, catalytic subunit; minus strand). Cytogenetic location: 8q11.21.
Variant type: single nucleotide variant.
Coding change: c.851C>T on transcript NM_006904.7 (MANE Select); coding-DNA position 851, C replaced by T.
Protein change: p.Thr284Ile; replaces threonine 284 with isoleucine.
Molecular consequence: missense variant.
Genome position (GRCh38, 1-based): chr8:47,943,324, G>A on the plus strand (C>T on the coding strand, the complement: PRKDC is on the minus strand). VCF-style: chr8-47943324-G-A. GRCh37 (hg19) VCF-style: chr8-48855884-G-A.
Other names: c.851C>T, p.Thr284Ile (NM_001081640.2); short protein forms T284I.
Identifiers: ClinVar variation 1763711 (VCV001763711.2), dbSNP rs778568394, ClinGen allele CA4741900.

ClinVar aggregate classification (germline): Uncertain significance (1 of 4 stars; one submission).

Allele frequency attached by ClinVar (database versions not stated): gnomAD exomes below 0.00001; ExAC 0.00001; gnomAD 0.00001.
gnomAD v4.1: 3 of 1,611,672 alleles (0.00019%); highest among the groups gnomAD compares: South Asian, 0.0011%; no homozygotes.

Submission:

Ambry Genetics
Classification: Uncertain significance. Last evaluated: 2021-08-24. Review status: criteria provided, single submitter. Criteria: Ambry Variant Classification Scheme 2023. Collection method: clinical testing. Allele origin: germline.
Comment: The p.T284I variant (also known as c.851C>T), located in coding exon 10 of the PRKDC gene, results from a C to T substitution at nucleotide position 851. The threonine at codon 284 is replaced by isoleucine, an amino acid with similar properties. This amino acid position is conserved. In addition, this alteration is predicted to be tolerated by in silico analysis. Since supporting evidence is limited at this time, the clinical significance of this alteration remains unclear.